The following is an entry in ClinVar:

ClinVar aggregate classification (germline): Pathogenic (1 of 4 stars; one submission).

Conditions:
Familial focal epilepsy with variable foci (FPEVF). Identifiers: Orphanet 98820, MedGen C1858477, MONDO:0020310.

Submission:

Labcorp Genetics (formerly Invitae), Labcorp
Classification: Pathogenic for Familial focal epilepsy with variable foci. Last evaluated: 2021-12-03. Review status: criteria provided, single submitter. Criteria: Invitae Variant Classification Sherloc (09022015). Collection method: clinical testing. Allele origin: germline.
Comment: For these reasons, this variant has been classified as Pathogenic. This variant has not been reported in the literature in individuals affected with DEPDC5-related conditions. This variant is a gross deletion of the genomic region encompassing exon(s) 28-30 of the DEPDC5 gene. This deletion is out-of-frame, and is expected to create a premature termination codon and result in an absent or disrupted protein product. Loss-of-function variants in DEPDC5 are known to be pathogenic (PMID: 23542697, 23542701).

Literature cited by the submitters: PubMed 23542697; PubMed 23542701.

NC_000022.10:g.(?_32239061)_(32241243_?)del

Gene: DEPDC5 (DEP domain containing 5, GATOR1 subcomplex subunit; plus strand). Cytogenetic location: 22q12.3.
Variant type: Deletion.
Identifiers: ClinVar variation 2423997 (VCV002423997.4).